The following is an entry in ClinVar:

ClinVar aggregate classification (germline): Uncertain significance (1 of 4 stars; one submission).

Allele frequency attached by ClinVar (database versions not stated): gnomAD exomes below 0.00001.
gnomAD v4.1: 6 of 1,609,622 alleles (0.00037%); highest among the groups gnomAD compares: Non-Finnish European, 0.00042%; no homozygotes.

Submission:

Labcorp Genetics (formerly Invitae), Labcorp
Classification: Uncertain significance. Last evaluated: 2025-01-07. Review status: criteria provided, single submitter. Criteria: Invitae Variant Classification Sherloc (09022015). Collection method: clinical testing. Allele origin: germline.
Comment: This sequence change replaces arginine, which is basic and polar, with histidine, which is basic and polar, at codon 180 of the CLTC protein (p.Arg180His). This variant is not present in population databases (gnomAD no frequency). This variant has not been reported in the literature in individuals affected with CLTC-related conditions. ClinVar contains an entry for this variant (Variation ID: 1468305). Invitae Evidence Modeling of protein sequence and biophysical properties (such as structural, functional, and spatial information, amino acid conservation, physicochemical variation, residue mobility, and thermodynamic stability) indicates that this missense variant is not expected to disrupt CLTC protein function with a negative predictive value of 80%. In summary, the available evidence is currently insufficient to determine the role of this variant in disease. Therefore, it has been classified as a Variant of Uncertain Significance.

NM_004859.4(CLTC):c.527G>A (p.Arg176His)

Gene: CLTC (clathrin heavy chain; plus strand). Cytogenetic location: 17q23.1.
Variant type: single nucleotide variant.
Coding change: c.527G>A on transcript NM_004859.4 (MANE Select); coding-DNA position 527, G replaced by A.
Protein change: p.Arg176His; replaces arginine 176 with histidine.
Molecular consequence: missense variant.
Genome position (GRCh38, 1-based): chr17:59,648,247, G>A. VCF-style: chr17-59648247-G-A. GRCh37 (hg19) VCF-style: chr17-57725608-G-A.
Other names: c.539G>A, p.Arg180His (NM_001288653.2); short protein forms R176H, R180H.
Identifiers: ClinVar variation 1468305 (VCV001468305.8), dbSNP rs2143508027, ClinGen allele CA400420711.
Genomic context (GRCh38, chr17:59,648,247, plus strand): 5'-GAGAGTTTTTGATTTATGGGTCTTCAAACGTTATTCTCTTTGATCCTTTATAGCAAAATC[G>A]TGTGGTGGGAGCTATGCAGCTATATTCTGTAGATAGGAAAGTGTCTCAGCCCATTGAAGG-3'
Protein context (NP_004850.1, residues 166-186): LLTGISAQQN[Arg176His]VVGAMQLYSV